The following is an entry in ClinVar:

NM_006060.6(IKZF1):c.161-8328C>A

Gene: IKZF1 (IKAROS family zinc finger 1; plus strand). Cytogenetic location: 7p12.2.
Variant type: single nucleotide variant.
Coding change: c.161-8328C>A on transcript NM_006060.6 (MANE Select); 8328 bases into the intron before coding-DNA position 161, C replaced by A.
Molecular consequence: intron variant. On other transcripts: synonymous variant (1).
Genome position (GRCh38, 1-based): chr7:50,368,205, C>A. VCF-style: chr7-50368205-C-A. GRCh37 (hg19) VCF-style: chr7-50435903-C-A.
Other names: c.360C>A, p.Ile120= (NM_001291845.2); c.161-14335C>A (NM_001291839.2, NM_001291838.2, NM_001220767.2 and 1 more transcripts); c.161-8328C>A (NM_001220765.3, NM_001291837.2, NM_001220768.2 and 1 more transcripts); c.220+140C>A (NM_001291846.2, NM_001291847.2); c.161-19140C>A (NM_001291841.1, NM_001291842.1); c.161-23524C>A (NM_001291843.1, NM_001291844.1); c.161-31713C>A (NM_001291840.1); c.360C>A (NM_001291845.1).
Identifiers: ClinVar variation 811017 (VCV000811017.12), dbSNP rs76112582, ClinGen allele CA4261234.
Genomic context (GRCh38, chr7:50,368,205, plus strand): 5'-TCATCAACCCCCGAGATACATTAAATATTCACTGTTCTATTCGTTAGACACCTACCATAT[C>A]ATTTTTGGGTATTTATACCATAAAGTGCAAAACGAAGGTCTAGGCAGTTGTGCGGTGTCC-3'

ClinVar aggregate classification (germline): Benign. Review status: criteria provided, multiple submitters, no conflicts (2 of 4 stars). 3 submissions from 3 submitters: Benign (2). 1 of the submissions does not count toward it. Last evaluated 2024-07-19.

Conditions:
IKZF1-related disorder. Also called: IKZF1-related condition.
Pancytopenia due to IKZF1 mutations. Also called: Immunodeficiency, common variable, 13. Identifiers: Orphanet 317473, MedGen C4225173, MONDO:0014810, OMIM 616873.

Allele frequency attached by ClinVar (database versions not stated): gnomAD exomes 0.00439 and 0.00714; ExAC 0.00558; gnomAD 0.03192 and 0.03410; TOPMed 0.03586; 1000 Genomes Project 0.03375; 1000 Genomes Project 30x 0.03576.
gnomAD v4.1: 7,370 of 703,244 alleles (1%); highest among the groups gnomAD compares: African/African-American, 11%; 353 homozygotes.

Submissions (3):

ARUP Laboratories, Molecular Genetics and Genomics, ARUP Laboratories
Classification: Benign for Pancytopenia due to IKZF1 mutations. Last evaluated: 2024-07-19. Review status: criteria provided, single submitter. Criteria: ARUP Molecular Germline Variant Investigation Process 2024. Collection method: clinical testing. Allele origin: germline.

Breakthrough Genomics
Classification: Benign. Review status: criteria provided, single submitter. Criteria: ACMG Guidelines, 2015. Collection method: not provided. Allele origin: germline. Inheritance: Autosomal dominant inheritance. Affected: yes.

PreventionGenetics, part of Exact Sciences
Classification: Benign for IKZF1-related condition. Last evaluated: 2019-07-08. Review status: no assertion criteria provided. Collection method: clinical testing. Allele origin: germline. Not counted in ClinVar's aggregate classification.
Comment: This variant is classified as benign based on ACMG/AMP sequence variant interpretation guidelines (Richards et al. 2015 PMID: 25741868, with internal and published modifications).